The following is an entry in ClinVar:

ClinVar aggregate classification (germline): Benign. Review status: criteria provided, multiple submitters, no conflicts (2 of 4 stars). 3 submissions from 3 submitters: Benign (3). Last evaluated 2025-12-17.

Allele frequency attached by ClinVar (database versions not stated): gnomAD exomes 0.00468 and 0.00993; ExAC 0.01110; gnomAD 0.02806 and 0.03008; 1000 Genomes Project 0.03215; ESP Exome Variant Server 0.03275; TOPMed 0.03310; 1000 Genomes Project 30x 0.03467.

Submissions (3):

Labcorp Genetics (formerly Invitae), Labcorp
Classification: Benign. Last evaluated: 2025-12-17. Review status: criteria provided, single submitter. Criteria: Invitae Variant Classification Sherloc (09022015). Collection method: clinical testing. Allele origin: germline.

GeneDx
Classification: Benign. Last evaluated: 2016-02-03. Review status: criteria provided, single submitter. Criteria: GeneDx Variant Classification (06012015). Collection method: clinical testing. Allele origin: germline. Affected: yes.
Comment: This variant is considered likely benign or benign based on one or more of the following criteria: it is a conservative change, it occurs at a poorly conserved position in the protein, it is predicted to be benign by multiple in silico algorithms, and/or has population frequency not consistent with disease.

Breakthrough Genomics
Classification: Benign. Review status: criteria provided, single submitter. Criteria: ACMG Guidelines, 2015. Collection method: not provided. Allele origin: germline. Inheritance: Autosomal recessive inheritance. Affected: yes.

NM_016556.4(PSMC3IP):c.136-10C>T

Gene: PSMC3IP (PSMC3 interacting protein; minus strand). Cytogenetic location: 17q21.2.
Variant type: single nucleotide variant.
Coding change: c.136-10C>T on transcript NM_016556.4 (MANE Select); 10 bases into the intron before coding-DNA position 136, C replaced by T.
Molecular consequence: intron variant.
Genome position (GRCh38, 1-based): chr17:42,577,312, G>A on the plus strand (C>T on the coding strand, the complement: PSMC3IP is on the minus strand). VCF-style: chr17-42577312-G-A. GRCh37 (hg19) VCF-style: chr17-40729330-G-A.
Other names: c.136-10C>T (NM_013290.7); c.-121-10C>T (NM_001256016.2); c.-235-10C>T (NM_001256015.2); c.-54-10C>T (NM_001256014.2).
Identifiers: ClinVar variation 378436 (VCV000378436.10), dbSNP rs8080342, ClinGen allele CA8579116.
Genomic context (GRCh38, chr17:42,577,312, plus strand): 5'-CTCTTTGATCTTGCCTTGTTGCGCCAGCTGCTCCAGCGTCTTCACCACCACCTGGCAGAG[G>A]AGAGAGAAGGAGCAATCAGAGGAGTCTGAGCCTGGGTCTGGGGAAATCCAGCCAGTGATG-3'